The following is an entry in ClinVar:

NM_001384598.1(PLEKHG6):c.2358C>T (p.Ser786=)

Gene: PLEKHG6 (pleckstrin homology and RhoGEF domain containing G6; plus strand). Cytogenetic location: 12p13.31.
Variant type: single nucleotide variant.
Coding change: c.2358C>T on transcript NM_001384598.1 (MANE Select); coding-DNA position 2358, C replaced by T.
Protein change: p.Ser786=; no amino-acid change (serine 786 retained).
Molecular consequence: synonymous variant. On other transcripts: non-coding transcript variant (2).
Genome position (GRCh38, 1-based): chr12:6,327,941, C>T. VCF-style: chr12-6327941-C-T. GRCh37 (hg19) VCF-style: chr12-6437107-C-T.
Other names: c.2358C>T, p.Ser786= (NM_001144856.2, NM_018173.4); c.2016C>T, p.Ser672= (NM_001144857.2); c.2355C>T, p.Ser785= (NM_001384599.1); c.2292C>T, p.Ser764= (NM_001384600.1); c.2406C>T, p.Ser802= (NM_001384604.1).
Identifiers: ClinVar variation 4979150 (VCV004979150.1).
Genomic context (GRCh38, chr12:6,327,941, plus strand): 5'-TCGGGCCCAGCTGCAGAGGATGCGGGGGCCCCACATCATTCAGCTGGACACCCCTCTGTC[C>T]GCATCGTAAGTGCTGGAGGGAAGCTGGCCTGGGAGGGGGCAGACGGGGATGTCTGTATGG-3'
Protein context (NP_001371527.1, residues 776-790): PHIIQLDTPL[Ser786=]ASEV

ClinVar aggregate classification (germline): Likely benign (1 of 4 stars; one submission).

Conditions:
PLEKHG6-related disorder. Also called: PLEKHG6-related condition.

gnomAD v4.1: 25 of 1,491,372 alleles (0.0017%); highest among the groups gnomAD compares: Admixed American, 0.0097%; no homozygotes.

Submission:

PreventionGenetics, part of Exact Sciences
Classification: Likely benign for PLEKHG6-related condition. Last evaluated: 2025-06-03. Review status: criteria provided, single submitter. Criteria: ACMG Guidelines, 2015. Collection method: clinical testing. Allele origin: germline.
Comment: This variant is classified as likely benign based on ACMG/AMP sequence variant interpretation guidelines (Richards et al. 2015 PMID: 25741868, with internal and published modifications).